The following is an entry in ClinVar:

NM_001394062.1(MACF1):c.20836A>G (p.Ile6946Val)

Gene: MACF1 (microtubule actin crosslinking factor 1; plus strand). Cytogenetic location: 1p34.3.
Variant type: single nucleotide variant.
Coding change: c.20836A>G on transcript NM_001394062.1 (MANE Select); coding-DNA position 20836, A replaced by G.
Protein change: p.Ile6946Val; replaces isoleucine 6946 with valine.
Molecular consequence: missense variant.
Genome position (GRCh38, 1-based): chr1:39,453,800, A>G. VCF-style: chr1-39453800-A-G. GRCh37 (hg19) VCF-style: chr1-39919472-A-G.
Other names: c.8914A>G, p.Ile2972Val (NM_001397473.1); c.14659A>G, p.Ile4887Val (NM_012090.5); short protein forms I2972V, I4887V, I6946V.
Identifiers: ClinVar variation 4527587 (VCV004527587.1).

ClinVar aggregate classification (germline): Uncertain significance (1 of 4 stars; one submission).

Submission:

GeneDx
Classification: Uncertain significance. Last evaluated: 2025-04-23. Review status: criteria provided, single submitter. Criteria: GeneDx Variant Classification Process June 2021. Collection method: clinical testing. Allele origin: germline. Affected: yes.
Comment: Not observed at significant frequency in large population cohorts (gnomAD); In silico analysis indicates that this missense variant does not alter protein structure/function; Has not been previously published as pathogenic or benign to our knowledge